The following is an entry in ClinVar:

ClinVar aggregate classification (germline): Pathogenic (1 of 4 stars; one submission).

Conditions:
6-Pyruvoyl-tetrahydrobiopterin synthase deficiency. Also called: 6-Pyruvoyltetrahydropterin Synthase Deficiency; HYPERPHENYLALANINEMIA, TETRAHYDROBIOPTERIN-DEFICIENT, DUE TO PTS DEFICIENCY; PTS-Related Tetrahydrobiopterin Deficiency; PTS DEFICIENCY; BH4-deficient hyperphenylalaninemia A; Hyperphenylalanemia, BH4-deficient, A. Identifiers: Orphanet 13, Orphanet 238583, MedGen C0878676, MONDO:0009863, OMIM 261640.

Submission:

Labcorp Genetics (formerly Invitae), Labcorp
Classification: Pathogenic for 6-Pyruvoyl-tetrahydrobiopterin synthase deficiency. Last evaluated: 2022-09-28. Review status: criteria provided, single submitter. Criteria: Invitae Variant Classification Sherloc (09022015). Collection method: clinical testing. Allele origin: germline.
Comment: A gross deletion of the genomic region encompassing the full coding sequence of the PTS gene has been identified. Loss-of-function variants in PTS are known to be pathogenic (PMID: 3297709, 16917893). The boundaries of this event are unknown as they extend beyond the assayed region for this gene and therefore may encompass additional genes. Isolated whole-gene deletions of PTS have not been reported in the literature. However, larger copy number events that include this gene have been reported (PMID: 10874306). For these reasons, this variant has been classified as Pathogenic.

Literature cited by the submitters: PubMed 3297709; PubMed 16917893; PubMed 10874306.

NC_000011.9:g.(?_112096088)_(112105696_?)del

Gene: PTS (6-pyruvoyltetrahydropterin synthase; plus strand). Cytogenetic location: 11q23.1.
Variant type: Deletion.
Identifiers: ClinVar variation 1068717 (VCV001068717.6).